The following is an entry in ClinVar:

ClinVar aggregate classification (germline): Uncertain significance. Review status: criteria provided, multiple submitters, no conflicts (2 of 4 stars). 2 submissions from 2 submitters: Uncertain significance (2). Last evaluated 2024-04-13.

Conditions:
Intellectual developmental disorder, autosomal dominant 30, with speech delay and behavioral abnormalities. Also called: Intellectual disability, autosomal dominant 30. Identifiers: Orphanet 436151, MedGen C4015167, MONDO:0014486, OMIM 616083.

Allele frequency attached by ClinVar (database versions not stated): TOPMed below 0.00001; ExAC 0.00001; gnomAD exomes 0.00001.

Submissions (2):

Labcorp Genetics (formerly Invitae), Labcorp
Classification: Uncertain significance. Last evaluated: 2024-04-13. Review status: criteria provided, single submitter. Criteria: Invitae Variant Classification Sherloc (09022015). Collection method: clinical testing. Allele origin: germline.
Comment: This sequence change replaces glycine, which is neutral and non-polar, with serine, which is neutral and polar, at codon 461 of the ZMYND11 protein (p.Gly461Ser). This variant is present in population databases (rs760356930, gnomAD 0.003%). This variant has not been reported in the literature in individuals affected with ZMYND11-related conditions. Advanced modeling of protein sequence and biophysical properties (such as structural, functional, and spatial information, amino acid conservation, physicochemical variation, residue mobility, and thermodynamic stability) performed at Invitae indicates that this missense variant is not expected to disrupt ZMYND11 protein function with a negative predictive value of 80%. In summary, the available evidence is currently insufficient to determine the role of this variant in disease. Therefore, it has been classified as a Variant of Uncertain Significance.

Victorian Clinical Genetics Services, Murdoch Childrens Research Institute
Classification: Uncertain significance for Intellectual developmental disorder, autosomal dominant 30, with speech delay and behavioral abnormalities. Last evaluated: 2023-07-17. Review status: criteria provided, single submitter. Criteria: ACMG Guidelines, 2015. Collection method: clinical testing. Allele origin: germline. Inheritance: Autosomal dominant inheritance. Affected: yes.
Comment: Based on the classification scheme VCGS_Germline_v1.3.4, this variant is classified as VUS-3B. Following criteria are met: 0102 - Loss of function is a known mechanism of disease in this gene and is associated with intellectual developmental disorder, 30 (MIM#616083). The mechanism of missense variants is unclear. (I) 0107 - This gene is associated with autosomal dominant disease. (I) 0200 - Variant is predicted to result in a missense amino acid change from glycine to serine. (I) 0251 - This variant is heterozygous. (I) 0302 - Variant is present in gnomAD (v2) <0.001 for a dominant condition (1 heterozygote, 0 homozygotes). (SP) 0503 - Missense variant consistently predicted to be tolerated by multiple in silico tools or not conserved in placental mammals with a minor amino acid change. (SB) 0604 - Variant is not located in an established domain, motif, hotspot or informative constraint region. (I) 0705 - No comparable missense variants have previous evidence for pathogenicity. (I) 0807 - This variant has no previous evidence of pathogenicity. (I) 0905 - No published segregation evidence has been identified for this variant. (I) 1007 - No published functional evidence has been identified for this variant. (I) 1208 - Inheritance information for this variant is not currently available in this individual. (I) Legend: (SP) - Supporting pathogenic, (I) - Information, (SB) - Supporting benign

NM_001370100.5(ZMYND11):c.1381G>A (p.Gly461Ser)

Genes: ZMYND11 (zinc finger MYND-type containing 11; plus strand), LOC126860802 (BRD4-independent group 4 enhancer GRCh37_chr10:294268-295467; plus strand). Cytogenetic location: 10p15.3.
Variant type: single nucleotide variant.
Coding change: c.1381G>A on transcript NM_001370100.5 (MANE Select); coding-DNA position 1381, G replaced by A.
Protein change: p.Gly461Ser; replaces glycine 461 with serine.
Molecular consequence: missense variant. On other transcripts: non-coding transcript variant (1).
Genome position (GRCh38, 1-based): chr10:248,489, G>A. VCF-style: chr10-248489-G-A. GRCh37 (hg19) VCF-style: chr10-294429-G-A.
Other names: c.1219G>A, p.Gly407Ser (NM_001202464.3, NM_001202467.1, NM_001370103.2 and 6 more transcripts); c.1126G>A, p.Gly376Ser (NM_001202465.3, NM_001370110.2); c.1216G>A, p.Gly406Ser (NM_001202466.3, NM_001370111.2); c.1381G>A, p.Gly461Ser (NM_001202468.1, NM_001370097.3, NM_001370098.2 and 4 more transcripts); c.1330G>A, p.Gly444Ser (NM_001330057.3, NM_001370112.2); c.1378G>A, p.Gly460Ser (NM_001370115.2, NM_212479.4); c.1315G>A, p.Gly439Ser (NM_001370116.2); c.1312G>A, p.Gly438Ser (NM_001370117.2); and 8 more; short protein forms G304S, G342S, G359S, G367S, G376S, G385S, G406S, G407S.
Identifiers: ClinVar variation 3254942 (VCV003254942.3), dbSNP rs760356930.